The following is an entry in ClinVar:

ClinVar aggregate classification (germline): Conflicting classifications of pathogenicity. Review status: criteria provided, conflicting classifications (1 of 4 stars). 6 submissions from 6 submitters: Uncertain significance (4); Likely benign (2). Last evaluated 2026-03-24.

Conditions:
GFM1-related disorder. Also called: GFM1-related condition.
Inborn genetic diseases. Identifiers: MedGen C0950123, MeSH D030342.
Hepatoencephalopathy due to combined oxidative phosphorylation defect type 1. Also called: HEPATOENCEPHALOPATHY, EARLY FATAL PROGRESSIVE. Identifiers: Orphanet 137681, MedGen C1836797, MONDO:0012191, OMIM 609060.

Allele frequency attached by ClinVar (database versions not stated): 1000 Genomes Project 30x 0.00016; ESP Exome Variant Server 0.00023; TOPMed 0.00026.
gnomAD v4.1: 529 of 1,591,628 alleles (0.033%); highest among the groups gnomAD compares: Middle Eastern, 0.13%; no homozygotes.

Submissions (6):

PreventionGenetics, part of Exact Sciences
Classification: Likely benign for GFM1-related condition. Last evaluated: 2026-03-24. Review status: criteria provided, single submitter. Criteria: ACMG Guidelines, 2015. Collection method: clinical testing. Allele origin: germline.
Comment: This variant is classified as likely benign based on ACMG/AMP sequence variant interpretation guidelines (Richards et al. 2015 PMID: 25741868, with internal and published modifications).

Labcorp Genetics (formerly Invitae), Labcorp
Classification: Uncertain significance. Last evaluated: 2025-01-06. Review status: criteria provided, single submitter. Criteria: Invitae Variant Classification Sherloc (09022015). Collection method: clinical testing. Allele origin: germline.
Comment: This sequence change falls in intron 8 of the GFM1 gene. It does not directly change the encoded amino acid sequence of the GFM1 protein. It affects a nucleotide within the consensus splice site. This variant is present in population databases (rs187690169, gnomAD 0.08%). This variant has not been reported in the literature in individuals affected with GFM1-related conditions. ClinVar contains an entry for this variant (Variation ID: 343930). Variants that disrupt the consensus splice site are a relatively common cause of aberrant splicing (PMID: 17576681, 9536098). Algorithms developed to predict the effect of sequence changes on RNA splicing suggest that this variant is not likely to affect RNA splicing. In summary, the available evidence is currently insufficient to determine the role of this variant in disease. Therefore, it has been classified as a Variant of Uncertain Significance.

Blueprint Genetics
Classification: Uncertain significance. Last evaluated: 2024-11-22. Review status: criteria provided, single submitter. Criteria: ACMG Guidelines, 2015. Collection method: clinical testing. Allele origin: germline.

Ambry Genetics
Classification: Uncertain significance for Inborn genetic diseases. Last evaluated: 2021-06-18. Review status: criteria provided, single submitter. Criteria: Ambry Variant Classification Scheme 2023. Collection method: clinical testing. Allele origin: germline.
Comment: The c.1083+3A>G intronic alteration consists of a A to G substitution nucleotides after coding exon 8 in the GFM1 gene. Based on insufficient or conflicting evidence, the clinical significance of this alteration remains unclear.

GeneDx
Classification: Likely benign. Last evaluated: 2020-09-08. Review status: criteria provided, single submitter. Criteria: GeneDx Variant Classification Process June 2021. Collection method: clinical testing. Allele origin: germline. Affected: yes.

Illumina Laboratory Services, Illumina
Classification: Uncertain significance for Hepatoencephalopathy due to combined oxidative phosphorylation defect type 1. Last evaluated: 2018-01-13. Review status: criteria provided, single submitter. Criteria: ICSL Variant Classification Criteria 13 December 2019. Collection method: clinical testing. Allele origin: germline.

Literature cited by the submitters: PubMed 17576681 (cited by Labcorp Genetics (formerly Invitae), Labcorp); PubMed 9536098 (cited by Labcorp Genetics (formerly Invitae), Labcorp).

NM_024996.7(GFM1):c.1083+3A>G

Gene: GFM1 (G elongation factor mitochondrial 1; plus strand). Cytogenetic location: 3q25.32.
Variant type: single nucleotide variant.
Coding change: c.1083+3A>G on transcript NM_024996.7 (MANE Select); 3 bases into the intron after coding-DNA position 1083, A replaced by G.
Molecular consequence: intron variant.
Genome position (GRCh38, 1-based): chr3:158,654,634, A>G. VCF-style: chr3-158654634-A-G. GRCh37 (hg19) VCF-style: chr3-158372423-A-G.
Other names: c.1140+3A>G (NM_001308164.1, NM_001308164.2, NM_001374355.1); c.858+3A>G (NM_001374357.1); c.966+3A>G (NM_001374356.1); c.516+3A>G (NM_001374359.1, NM_001374360.1); c.399+3A>G (NM_001374361.1); c.624+3A>G (NM_001374358.1); c.1083+3A>G (NM_001308166.2).
Identifiers: ClinVar variation 343930 (VCV000343930.13), dbSNP rs187690169, ClinGen allele CA2682500.